The following is an entry in ClinVar:

NM_181426.2(CCDC39):c.1363-23dup

Gene: CCDC39 (coiled-coil domain 39 molecular ruler complex subunit; minus strand). Cytogenetic location: 3q26.33.
Variant type: Duplication.
Coding change: c.1363-23dup on transcript NM_181426.2 (MANE Select); 23 bases into the intron before coding-DNA position 1363, one base duplicated (T; older notation c.1363-23dupT).
Molecular consequence: intron variant.
Genome position (GRCh38, 1-based): chr3:180,647,256, A duplicated on the plus strand (T on the coding strand, the reverse complement: CCDC39 is on the minus strand); the first of 11 consecutive A bases (chr3:180,647,256-180,647,266); duplicating any one gives the same sequence. VCF-style (leftmost placement, unchanged base first): chr3-180647255-T-TA. GRCh37 (hg19) VCF-style: chr3-180365043-T-TA.
Other names: c.1363-13dupT (NM_181426.1).
Identifiers: ClinVar variation 344267 (VCV000344267.18), dbSNP rs374074877, ClinGen allele CA2715954.

ClinVar aggregate classification (germline): Benign. Review status: criteria provided, multiple submitters, no conflicts (2 of 4 stars). 4 submissions from 4 submitters: Benign (4). Last evaluated 2026-02-04.

Conditions:
Primary ciliary dyskinesia. Also called: Ciliary dyskinesia. Identifiers: Orphanet 244, MedGen C0008780, MONDO:0016575, HP:0012265.

Submissions (4):

Labcorp Genetics (formerly Invitae), Labcorp
Classification: Benign for Primary ciliary dyskinesia. Last evaluated: 2026-02-04. Review status: criteria provided, single submitter. Criteria: Invitae Variant Classification Sherloc (09022015). Collection method: clinical testing. Allele origin: germline.

Blueprint Genetics
Classification: Benign. Last evaluated: 2024-11-26. Review status: criteria provided, single submitter. Criteria: ACMG Guidelines, 2015. Collection method: clinical testing. Allele origin: germline.

GeneDx
Classification: Benign. Last evaluated: 2019-02-05. Review status: criteria provided, single submitter. Criteria: GeneDx Variant Classification Process June 2021. Collection method: clinical testing. Allele origin: germline. Affected: yes.

Laboratory for Molecular Medicine, Mass General Brigham Personalized Medicine
Classification: Benign. Last evaluated: 2016-03-29. Review status: criteria provided, single submitter. Criteria: LMM Criteria. Collection method: clinical testing. Allele origin: germline.
Comment: Variant identified in a genome or exome case(s) and assessed due to predicted null impact of the variant or pathogenic assertions in the literature or databases. Disclaimer: This variant has not undergone full assessment. The following are preliminary notes: Frequency